The following is an entry in ClinVar:

NM_001931.5(DLAT):c.998C>G (p.Pro333Arg)

Gene: DLAT (dihydrolipoamide S-acetyltransferase; plus strand). Cytogenetic location: 11q23.1.
Variant type: single nucleotide variant.
Coding change: c.998C>G on transcript NM_001931.5 (MANE Select); coding-DNA position 998, C replaced by G.
Protein change: p.Pro333Arg; replaces proline 333 with arginine.
Molecular consequence: missense variant. On other transcripts: non-coding transcript variant (1).
Genome position (GRCh38, 1-based): chr11:112,039,266, C>G. VCF-style: chr11-112039266-C-G. GRCh37 (hg19) VCF-style: chr11-111909990-C-G.
Other names: c.998C>G, p.Pro333Arg (NM_001372031.1, NM_001372032.1, NM_001372033.1 and 1 more transcripts); c.965C>G, p.Pro322Arg (NM_001372034.1); c.872C>G, p.Pro291Arg (NM_001372036.1); c.830C>G, p.Pro277Arg (NM_001372037.1); c.719C>G, p.Pro240Arg (NM_001372038.1); c.683C>G, p.Pro228Arg (NM_001372039.1, NM_001372041.1); c.617C>G, p.Pro206Arg (NM_001372040.1); c.536C>G, p.Pro179Arg (NM_001372042.1); short protein forms P179R, P206R, P228R, P240R, P277R, P291R, P322R, P333R.
Identifiers: ClinVar variation 1695817 (VCV001695817.3), dbSNP rs782453793, ClinGen allele CA6276804.

ClinVar aggregate classification (germline): Uncertain significance (1 of 4 stars; one submission).

Allele frequency attached by ClinVar (database versions not stated): gnomAD 0.00001; gnomAD exomes 0.00001 and 0.00004; ExAC 0.00003; TOPMed 0.00005.

Submission:

GeneDx
Classification: Uncertain significance. Last evaluated: 2024-05-20. Review status: criteria provided, single submitter. Criteria: GeneDx Variant Classification Process June 2021. Collection method: clinical testing. Allele origin: germline. Affected: yes.
Comment: In silico analysis supports that this missense variant has a deleterious effect on protein structure/function; Has not been previously published as pathogenic or benign to our knowledge